The following is an entry in ClinVar:

NM_001354930.2(RIPK1):c.1663T>C (p.Ser555Pro)

Gene: RIPK1 (receptor interacting serine/threonine kinase 1; plus strand). Cytogenetic location: 6p25.2.
Variant type: single nucleotide variant.
Coding change: c.1663T>C on transcript NM_001354930.2 (MANE Select); coding-DNA position 1663, T replaced by C.
Protein change: p.Ser555Pro; replaces serine 555 with proline.
Molecular consequence: missense variant.
Genome position (GRCh38, 1-based): chr6:3,110,889, T>C. VCF-style: chr6-3110889-T-C. GRCh37 (hg19) VCF-style: chr6-3111123-T-C.
Other names: c.1174T>C, p.Ser392Pro (NM_001317061.3, NM_001354932.2, NM_001354933.2 and 1 more transcripts); c.1525T>C, p.Ser509Pro (NM_001354931.2); c.1663T>C, p.Ser555Pro (NM_003804.6); short protein forms S392P, S509P, S555P.
Identifiers: ClinVar variation 3030758 (VCV003030758.2), dbSNP rs2533382708, ClinGen allele CA362576597.

ClinVar aggregate classification (germline): Uncertain significance (0 of 4 stars; one submission).

Conditions:
RIPK1-related disorder. Also called: RIPK1-related condition.

Submission:

PreventionGenetics, part of Exact Sciences
Classification: Uncertain significance for RIPK1-related condition. Last evaluated: 2023-11-03. Review status: no assertion criteria provided. Collection method: clinical testing. Allele origin: germline.
Comment: The RIPK1 c.1663T>C variant is predicted to result in the amino acid substitution p.Ser555Pro. To our knowledge, this variant has not been reported in the literature or in a large population database, indicating this variant is rare. At this time, the clinical significance of this variant is uncertain due to the absence of conclusive functional and genetic evidence.